The following is an entry in ClinVar:

ClinVar aggregate classification (germline): Benign. Review status: reviewed by expert panel (3 of 4 stars). 4 submissions from 4 submitters: Benign (1). 3 of the submissions do not count toward it. Last evaluated 2026-08-10.

Conditions:
Creatine transporter deficiency (CCDS1). Also called: Mental retardation , X-linked with seizures, short stature and midface hypoplasia; Mental retardation , X-linked, with creatine transport deficiency; X-linked creatine transporter deficiency; X-linked creatine deficiency syndrome; SLC6A8-Related Creatine Transporter Deficiency; CREATINE TRANSPORTER DEFECT. Identifiers: Orphanet 52503, MedGen C1845862, MONDO:0010305, OMIM 300352.

Allele frequency attached by ClinVar (database versions not stated): gnomAD 0.00002; gnomAD exomes 0.00002; TOPMed 0.00002; ExAC 0.00003.

Submissions (4):

ClinGen Cerebral Creatine Deficiency Syndromes Variant Curation Expert Panel, ClinGen
Classification: Benign for Creatine transporter deficiency. Last evaluated: 2026-08-10. Review status: reviewed by expert panel. Criteria: ClinGen CCDS ACMG Specifications SLC6A8 V2.1. Collection method: curation. Allele origin: germline. Inheritance: X-linked inheritance.
Comment: The NM_005629.4:c.617G>A variant in SLC6A8 is a missense variant predicted to cause a substitution of an arginine by a histidine at amino acid position 206 (p.Arg206His). To our knowledge, this variant has not been reported in the literature and no functional studies are available. There are 11 hemizygotes in gnomAD v4.1.0. which meets BA1 based on the specifications of the ClinGen CCDS VCEP (10 or more hemizygotes/homozygotes in gnomAD) (BA1). The computational predictor REVEL gives a score of 0.098 for the amino acid substitution (BP4). There is a ClinVar entry for this variant (Variation ID: 2181706). In summary, this variant meets criteria to be classified as benign for creatine transporter deficiency. SLC6A8-specific criteria applied, as specified by the ClinGen CCDS VCEP (Specifications Version 2.1.0): BA1, BP4. (Classification approved by the ClinGen Cerebral Creatine Deficiency Syndromes Variant Curation Expert Panel on August 19, 2026)

Labcorp Genetics (formerly Invitae), Labcorp
Classification: Benign for Creatine transporter deficiency. Last evaluated: 2025-12-25. Review status: criteria provided, single submitter. Criteria: Invitae Variant Classification Sherloc (09022015). Collection method: clinical testing. Allele origin: germline. Not counted in ClinVar's aggregate classification.

Revvity Omics, Revvity
Classification: Uncertain significance for Creatine transporter deficiency. Last evaluated: 2022-03-07. Review status: criteria provided, single submitter. Criteria: ACMG Guidelines, 2015. Collection method: clinical testing. Allele origin: germline. Not counted in ClinVar's aggregate classification.

Division Of Personalized Genomic Medicine, Columbia University Irving Medical Center
Classification: Uncertain significance for Creatine transporter deficiency. Last evaluated: 2021-11-01. Review status: criteria provided, single submitter. Criteria: ACMG Guidelines, 2015. Collection method: clinical testing. Allele origin: germline. Inheritance: X-linked recessive inheritance. Observed: 1 hemizygote. Not counted in ClinVar's aggregate classification.
Comment: The c.617G>A variant is a single base pair substitution at nucleotide c.617 in exon 3 of 13 of the SLC6A8 gene, resulting in a substitution of an arginine at amino acid position 206 to a histidine (p.Arg206His). This variant has been observed in the Genome Aggregation Database (gnomAD) at a frequency of 0.0001048 (3/183049). It is observed in the hemizygous state in two individuals. It is predicted to be tolerated based on in silico algorithms (PolyPhen2, SIFT). To the best of ourknowledge, this exact variant has not been described to be disease associated in literature.

NM_005629.4(SLC6A8):c.617G>A (p.Arg206His)

Gene: SLC6A8 (solute carrier family 6 member 8; plus strand). Cytogenetic location: Xq28.
Variant type: single nucleotide variant.
Coding change: c.617G>A on transcript NM_005629.4 (MANE Select); coding-DNA position 617, G replaced by A.
Protein change: p.Arg206His; replaces arginine 206 with histidine.
Molecular consequence: missense variant.
Genome position (GRCh38, 1-based): chrX:153,691,526, G>A. VCF-style: chrX-153691526-G-A. GRCh37 (hg19) VCF-style: chrX-152956981-G-A.
Other names: NM_005629.4(SLC6A8):c.617G>A; p.Arg206His; c.617G>A, p.Arg206His (NM_001142805.2); c.272G>A, p.Arg91His (NM_001142806.1); short protein forms R91H, R206H.
Identifiers: ClinVar variation 2181706 (VCV002181706.11), dbSNP rs782620409, ClinGen allele CA10549212.
Genomic context (GRCh38, chrX:153,691,526, plus strand): 5'-GCCATGAAGACTGTGCCAATGCCAGCCTGGCCAACCTCACCTGTGACCAGCTTGCTGACC[G>A]CCGGTCCCCTGTCATCGAGTTCTGGGAGTGAGTCCGGCACCTCTGGGCCAAGCCCATCCC-3'
Protein context (NP_005620.1, residues 196-216): ANLTCDQLAD[Arg206His]RSPVIEFWEN